The following is an entry in ClinVar:

ClinVar aggregate classification (germline): Benign (1 of 4 stars; one submission).

Allele frequency attached by ClinVar (database versions not stated): 1000 Genomes Project 0.11262; gnomAD 0.12347 and 0.12454; TOPMed 0.12719.
gnomAD v4.1: 18,890 of 151,838 alleles (12%); highest among the groups gnomAD compares: Admixed American, 17%; 1,288 homozygotes.

Submission:

GeneDx
Classification: Benign. Last evaluated: 2018-06-14. Review status: criteria provided, single submitter. Criteria: GeneDx Variant Classification (06012015). Collection method: clinical testing. Allele origin: germline. Affected: yes.
Comment: This variant is considered likely benign or benign based on one or more of the following criteria: it is a conservative change, it occurs at a poorly conserved position in the protein, it is predicted to be benign by multiple in silico algorithms, and/or has population frequency not consistent with disease.

NM_182916.3(TRNT1):c.343-207A>T

Gene: TRNT1 (tRNA nucleotidyl transferase 1; plus strand). Cytogenetic location: 3p26.2.
Variant type: single nucleotide variant.
Coding change: c.343-207A>T on transcript NM_182916.3 (MANE Select); 207 bases into the intron before coding-DNA position 343, A replaced by T.
Molecular consequence: intron variant.
Genome position (GRCh38, 1-based): chr3:3,140,303, A>T. VCF-style: chr3-3140303-A-T. GRCh37 (hg19) VCF-style: chr3-3181987-A-T.
Other names: c.343-207A>T (NM_001367321.1, NM_001367323.1, NM_001367322.1 and 1 more transcripts).
Identifiers: ClinVar variation 671438 (VCV000671438.1), dbSNP rs4353794, ClinGen allele CA11564860.